The following is an entry in ClinVar:

ClinVar aggregate classification (germline): Uncertain significance (1 of 4 stars; one submission).

Allele frequency attached by ClinVar (database versions not stated): gnomAD 0.00001; gnomAD exomes 0.00001; ExAC 0.00002.
gnomAD v4.1: 15 of 1,613,866 alleles (0.00093%); highest among the groups gnomAD compares: South Asian, 0.016%; no homozygotes.

Submission:

Labcorp Genetics (formerly Invitae), Labcorp
Classification: Uncertain significance. Last evaluated: 2022-12-02. Review status: criteria provided, single submitter. Criteria: Invitae Variant Classification Sherloc (09022015). Collection method: clinical testing. Allele origin: germline.
Comment: In summary, the available evidence is currently insufficient to determine the role of this variant in disease. Therefore, it has been classified as a Variant of Uncertain Significance. Algorithms developed to predict the effect of missense changes on protein structure and function output the following: SIFT: "Tolerated"; PolyPhen-2: "Benign"; Align-GVGD: "Class C0". The arginine amino acid residue is found in multiple mammalian species, which suggests that this missense change does not adversely affect protein function. This variant has not been reported in the literature in individuals affected with NLRP1-related conditions. This variant is present in population databases (rs762337004, gnomAD 0.003%). This sequence change replaces serine, which is neutral and polar, with arginine, which is basic and polar, at codon 919 of the NLRP1 protein (p.Ser919Arg).

NM_033004.4(NLRP1):c.2755A>C (p.Ser919Arg)

Gene: NLRP1 (NLR family pyrin domain containing 1; minus strand). Cytogenetic location: 17p13.2.
Variant type: single nucleotide variant.
Coding change: c.2755A>C on transcript NM_033004.4 (MANE Select); coding-DNA position 2755, A replaced by C.
Protein change: p.Ser919Arg; replaces serine 919 with arginine.
Molecular consequence: missense variant.
Genome position (GRCh38, 1-based): chr17:5,539,530, T>G on the plus strand (A>C on the coding strand, the complement: NLRP1 is on the minus strand). VCF-style: chr17-5539530-T-G. GRCh37 (hg19) VCF-style: chr17-5442850-T-G.
Other names: c.2755A>C, p.Ser919Arg (NM_001033053.3, NM_014922.5, NM_033006.4 and 1 more transcripts); short protein forms S919R.
Identifiers: ClinVar variation 1949815 (VCV001949815.5), dbSNP rs762337004, ClinGen allele CA8327063.
Genomic context (GRCh38, chr17:5,539,530, plus strand): 5'-CGCCAACGTCATCCAGGTTGTTCTGCTGCAGGTCTAGCTCCTTCAGGCTGGGGCTGGCAC[T>G]AAGCACAGAGGCCAGGTCCTGGCAGCAGTCAGACGTGAGGCCACAGCTGACCAGCCTGCA-3'
Protein context (NP_127497.1, residues 909-929): DCCQDLASVL[Ser919Arg]ASPSLKELDL